The following is an entry in ClinVar:

NM_001378183.1(PIEZO2):c.220C>A (p.His74Asn)

Gene: PIEZO2 (piezo type mechanosensitive ion channel component 2; minus strand). Cytogenetic location: 18p11.21.
Variant type: single nucleotide variant.
Coding change: c.220C>A on transcript NM_001378183.1 (MANE Select); coding-DNA position 220, C replaced by A.
Protein change: p.His74Asn; replaces histidine 74 with asparagine.
Molecular consequence: missense variant.
Genome position (GRCh38, 1-based): chr18:10,979,601, G>T on the plus strand (C>A on the coding strand, the complement: PIEZO2 is on the minus strand). VCF-style: chr18-10979601-G-T. GRCh37 (hg19) VCF-style: chr18-10979599-G-T.
Other names: c.220C>A, p.His74Asn (NM_001410871.1, NM_022068.4); short protein forms H74N.
Identifiers: ClinVar variation 4975723 (VCV004975723.1).

ClinVar aggregate classification (germline): Uncertain significance (1 of 4 stars; one submission).

Submission:

GeneDx
Classification: Uncertain significance. Last evaluated: 2026-01-26. Review status: criteria provided, single submitter. Criteria: GeneDx Variant Classification Process June 2021. Collection method: clinical testing. Allele origin: germline.
Comment: Not observed at significant frequency in large population cohorts (gnomAD); In silico analysis supports that this missense variant has a deleterious effect on protein structure/function; Has not been previously published as pathogenic or benign to our knowledge